The following is an entry in ClinVar:

ClinVar aggregate classification (germline): Likely pathogenic (1 of 4 stars; one submission).

Conditions:
Werner syndrome (WRN). Identifiers: Orphanet 902, MedGen C0043119, MONDO:0010196, OMIM 277700.

Submission:

Labcorp Genetics (formerly Invitae), Labcorp
Classification: Likely pathogenic for Werner syndrome. Last evaluated: 2023-04-14. Review status: criteria provided, single submitter. Criteria: Invitae Variant Classification Sherloc (09022015). Collection method: clinical testing. Allele origin: germline.
Comment: This sequence change affects a donor splice site in intron 19 of the WRN gene. It is expected to disrupt RNA splicing. Variants that disrupt the donor or acceptor splice site typically lead to a loss of protein function (PMID: 16199547), and loss-of-function variants in WRN are known to be pathogenic (PMID: 16673358). This variant is not present in population databases (gnomAD no frequency). This variant has not been reported in the literature in individuals affected with WRN-related conditions. ClinVar contains an entry for this variant (Variation ID: 1066303). Algorithms developed to predict the effect of sequence changes on RNA splicing suggest that this variant may disrupt the consensus splice site. In summary, the currently available evidence indicates that the variant is pathogenic, but additional data are needed to prove that conclusively. Therefore, this variant has been classified as Likely Pathogenic.

Literature cited by the submitters: PubMed 16199547; PubMed 16673358.

NM_000553.6(WRN):c.2273+1G>A

Gene: WRN (WRN RecQ like helicase; plus strand). Cytogenetic location: 8p12.
Variant type: single nucleotide variant.
Coding change: c.2273+1G>A on transcript NM_000553.6 (MANE Select); the canonical splice donor site of the intron after coding-DNA position 2273, G replaced by A.
Molecular consequence: splice donor variant.
Genome position (GRCh38, 1-based): chr8:31,111,800, G>A. VCF-style: chr8-31111800-G-A. GRCh37 (hg19) VCF-style: chr8-30969316-G-A.
Identifiers: ClinVar variation 1066303 (VCV001066303.5), dbSNP rs2130284894, ClinGen allele CA370912943.